The following is an entry in ClinVar:

ClinVar aggregate classification (germline): Uncertain significance. Review status: criteria provided, multiple submitters, no conflicts (2 of 4 stars). 2 submissions from 2 submitters: Uncertain significance (2). Last evaluated 2026-03-06.

Conditions:
DST-related disorder. Also called: DST-related condition; DST-related disorders.
Epidermolysis bullosa simplex 3, localized or generalized intermediate, with BP230 deficiency (EBS3). Also called: Epidermolysis bullosa simplex, autosomal recessive 2; Epidermolysis bullosa simplex due to BP230 deficiency. Identifiers: Orphanet 412181, MedGen C3809470, MONDO:0014180, OMIM 615425.
Hereditary sensory and autonomic neuropathy type 6. Also called: Neuropathy, hereditary sensory and autonomic, type VI; HSAN VI. Identifiers: Orphanet 314381, MedGen C3539003, MONDO:0013839, OMIM 614653.

Allele frequency attached by ClinVar (database versions not stated): TOPMed 0.00002; gnomAD exomes below 0.00001 and 0.00001; gnomAD 0.00001.
gnomAD v4.1: 11 of 1,613,286 alleles (0.00068%); highest among the groups gnomAD compares: Non-Finnish European, 0.00085%; no homozygotes.

Submissions (2):

PreventionGenetics, part of Exact Sciences
Classification: Uncertain significance for DST-related condition. Last evaluated: 2026-03-06. Review status: criteria provided, single submitter. Criteria: ACMG Guidelines, 2015. Collection method: clinical testing. Allele origin: germline.
Comment: The DST c.2231C>T variant is predicted to result in the amino acid substitution p.Ser744Phe. To our knowledge, this variant has not been reported in the literature. This variant is reported in 0.00088% of alleles in individuals of European (Non-Finnish) descent in gnomAD. At this time, the clinical significance of this variant is uncertain due to the absence of conclusive functional and genetic evidence.

Labcorp Genetics (formerly Invitae), Labcorp
Classification: Uncertain significance for Epidermolysis bullosa simplex 3, localized or generalized intermediate, with BP230 deficiency; Hereditary sensory and autonomic neuropathy type 6. Last evaluated: 2022-07-12. Review status: criteria provided, single submitter. Criteria: Invitae Variant Classification Sherloc (09022015). Collection method: clinical testing. Allele origin: germline.
Comment: This variant has not been reported in the literature in individuals affected with DST-related conditions. This sequence change replaces serine, which is neutral and polar, with phenylalanine, which is neutral and non-polar, at codon 744 of the DST protein (p.Ser744Phe). This variant is present in population databases (no rsID available, gnomAD 0.0009%). ClinVar contains an entry for this variant (Variation ID: 643174). Algorithms developed to predict the effect of missense changes on protein structure and function (SIFT, PolyPhen-2, Align-GVGD) all suggest that this variant is likely to be disruptive. In summary, the available evidence is currently insufficient to determine the role of this variant in disease. Therefore, it has been classified as a Variant of Uncertain Significance.

NM_001374736.1(DST):c.3842C>T (p.Ser1281Phe)

Gene: DST (dystonin; minus strand). Cytogenetic location: 6p12.1.
Variant type: single nucleotide variant.
Coding change: c.3842C>T on transcript NM_001374736.1 (MANE Select); coding-DNA position 3842, C replaced by T.
Protein change: p.Ser1281Phe; replaces serine 1281 with phenylalanine.
Molecular consequence: missense variant.
Genome position (GRCh38, 1-based): chr6:56,632,004, G>A on the plus strand (C>T on the coding strand, the complement: DST is on the minus strand). VCF-style: chr6-56632004-G-A. GRCh37 (hg19) VCF-style: chr6-56496802-G-A.
Other names: c.3743C>T, p.Ser1248Phe (NM_001144769.5); c.3329C>T, p.Ser1110Phe (NM_001144770.2); c.3842C>T, p.Ser1281Phe (NM_001374722.1); c.3209C>T, p.Ser1070Phe (NM_001374729.1, NM_001374730.1, NM_001386100.1 and 1 more transcripts); c.3869C>T, p.Ser1290Phe (NM_001374734.1); c.2231C>T, p.Ser744Phe (NM_001723.7, NM_015548.5); short protein forms S1248F, S744F, S1110F, S1070F, S1281F, S1290F.
Identifiers: ClinVar variation 643174 (VCV000643174.11), dbSNP rs1171023903, ClinGen allele CA364574996.